The following is an entry in ClinVar:

NM_020921.4(NIN):c.6307A>G (p.Asn2103Asp)

Gene: NIN (ninein; minus strand). Cytogenetic location: 14q22.1.
Variant type: single nucleotide variant.
Coding change: c.6307A>G on transcript NM_020921.4 (MANE Select); coding-DNA position 6307, A replaced by G.
Protein change: p.Asn2103Asp; replaces asparagine 2103 with aspartic acid.
Molecular consequence: missense variant.
Genome position (GRCh38, 1-based): chr14:50,723,558, T>C on the plus strand (A>G on the coding strand, the complement: NIN is on the minus strand). VCF-style: chr14-50723558-T-C. GRCh37 (hg19) VCF-style: chr14-51190276-T-C.
Other names: short protein forms N2103D.
Identifiers: ClinVar variation 2155912 (VCV002155912.4), dbSNP rs777084348, ClinGen allele CA7180924.
Genomic context (GRCh38, chr14:50,723,558, plus strand): 5'-CTGGTGTCAGATTCCTAACTATATTACTGAGGCTGGCAATCTTCTCCTCCAGGAGGTAAT[T>C]TTTCTTCTCTGCTGTTTTCTGTCGCTGTTCAGTCACTTCCAGAGCTTTCAACAACTGGGC-3'
Protein context (NP_065972.4, residues 2093-2113): EQRQKTAEKK[Asn2103Asp]YLLEEKIASL

ClinVar aggregate classification (germline): Uncertain significance (1 of 4 stars; one submission).

Allele frequency attached by ClinVar (database versions not stated): gnomAD 0.00001; gnomAD exomes 0.00003; TOPMed 0.00003; ExAC 0.00004.
gnomAD v4.1: 39 of 1,613,764 alleles (0.0024%); highest among the groups gnomAD compares: Non-Finnish European, 0.0027%; no homozygotes.

Submission:

Labcorp Genetics (formerly Invitae), Labcorp
Classification: Uncertain significance. Last evaluated: 2024-01-09. Review status: criteria provided, single submitter. Criteria: Invitae Variant Classification Sherloc (09022015). Collection method: clinical testing. Allele origin: germline.
Comment: This sequence change replaces asparagine, which is neutral and polar, with aspartic acid, which is acidic and polar, at codon 2103 of the NIN protein (p.Asn2103Asp). This variant is present in population databases (rs777084348, gnomAD 0.02%). This variant has not been reported in the literature in individuals affected with NIN-related conditions. ClinVar contains an entry for this variant (Variation ID: 2155912). An algorithm developed to predict the effect of missense changes on protein structure and function (PolyPhen-2) suggests that this variant is likely to be disruptive. In summary, the available evidence is currently insufficient to determine the role of this variant in disease. Therefore, it has been classified as a Variant of Uncertain Significance.